The following is an entry in ClinVar:

NM_001082971.2(DDC):c.665T>C (p.Leu222Pro)

Gene: DDC (dopa decarboxylase; minus strand). Cytogenetic location: 7p12.1.
Variant type: single nucleotide variant.
Coding change: c.665T>C on transcript NM_001082971.2 (MANE Select); coding-DNA position 665, T replaced by C.
Protein change: p.Leu222Pro; replaces leucine 222 with proline.
Molecular consequence: missense variant. On other transcripts: intron variant (2).
Genome position (GRCh38, 1-based): chr7:50,528,186, A>G on the plus strand (T>C on the coding strand, the complement: DDC is on the minus strand). VCF-style: chr7-50528186-A-G. GRCh37 (hg19) VCF-style: chr7-50595884-A-G.
Other names: c.665T>C, p.Leu222Pro (NM_000790.4, NM_001242890.2); c.551T>C, p.Leu184Pro (NM_001242886.2); c.431T>C, p.Leu144Pro (NM_001242888.2); c.435+9674T>C (NM_001242889.2); c.570+1022T>C (NM_001242887.2); short protein forms L184P, L144P, L222P.
Identifiers: ClinVar variation 2136538 (VCV002136538.4), dbSNP rs2044094510, ClinGen allele CA367525844.

ClinVar aggregate classification (germline): Pathogenic (1 of 4 stars; one submission).

Conditions:
Deficiency of aromatic-L-amino-acid decarboxylase. Also called: Aromatic amino acid decarboxylase deficiency; AADC DEFICIENCY; DDC DEFICIENCY; DOPA DECARBOXYLASE DEFICIENCY; Aromatic L-Amino Acid Decarboxylase Deficiency. Identifiers: Orphanet 35708, MedGen C1291564, MONDO:0012084, OMIM 608643.

gnomAD v4.1: 1 of 1,613,952 alleles (0.000062%); highest among the groups gnomAD compares: Admixed American, 0.0017%; no homozygotes.

Submission:

Labcorp Genetics (formerly Invitae), Labcorp
Classification: Pathogenic for Deficiency of aromatic-L-amino-acid decarboxylase. Last evaluated: 2023-08-10. Review status: criteria provided, single submitter. Criteria: Invitae Variant Classification Sherloc (09022015). Collection method: clinical testing. Allele origin: germline.
Comment: This sequence change replaces leucine, which is neutral and non-polar, with proline, which is neutral and non-polar, at codon 222 of the DDC protein (p.Leu222Pro). This variant is not present in population databases (gnomAD no frequency). This missense change has been observed in individual(s) with aromatic L-amino acid decarboxylase deficiency (PMID: 25001633, 30952622, 32369189). ClinVar contains an entry for this variant (Variation ID: 2136538). Advanced modeling of protein sequence and biophysical properties (such as structural, functional, and spatial information, amino acid conservation, physicochemical variation, residue mobility, and thermodynamic stability) performed at Invitae indicates that this missense variant is expected to disrupt DDC protein function. For these reasons, this variant has been classified as Pathogenic.

Literature cited by the submitters: PubMed 25001633; PubMed 30952622; PubMed 32369189.